The following is an entry in ClinVar:

NM_032120.4(RBM48):c.948C>G (p.Ile316Met)

Gene: RBM48 (RNA binding motif protein 48; plus strand). Cytogenetic location: 7q21.2.
Variant type: single nucleotide variant.
Coding change: c.948C>G on transcript NM_032120.4 (MANE Select); coding-DNA position 948, C replaced by G.
Protein change: p.Ile316Met; replaces isoleucine 316 with methionine.
Molecular consequence: missense variant.
Genome position (GRCh38, 1-based): chr7:92,534,901, C>G. VCF-style: chr7-92534901-C-G. GRCh37 (hg19) VCF-style: chr7-92164215-C-G.
Other names: c.948C>G, p.Ile316Met (NM_001363366.1); c.423C>G, p.Ile141Met (NM_001363367.1); short protein forms I141M, I316M.
Identifiers: ClinVar variation 2050924 (VCV002050924.4), dbSNP rs376458235, ClinGen allele CA161987317.

ClinVar aggregate classification (germline): Uncertain significance (1 of 4 stars; one submission).

Allele frequency attached by ClinVar (database versions not stated): gnomAD 0.00001; TOPMed 0.00001; gnomAD exomes 0.00002; ESP Exome Variant Server 0.00008.
gnomAD v4.1: 33 of 1,614,058 alleles (0.002%); highest among the groups gnomAD compares: Middle Eastern, 0.016%; no homozygotes.

Submission:

Labcorp Genetics (formerly Invitae), Labcorp
Classification: Uncertain significance. Last evaluated: 2022-06-13. Review status: criteria provided, single submitter. Criteria: Invitae Variant Classification Sherloc (09022015). Collection method: clinical testing. Allele origin: germline.
Comment: In summary, the available evidence is currently insufficient to determine the role of this variant in disease. Therefore, it has been classified as a Variant of Uncertain Significance. Algorithms developed to predict the effect of missense changes on protein structure and function output the following: SIFT: "Not Available"; PolyPhen-2: "Benign"; Align-GVGD: "Not Available". The methionine amino acid residue is found in multiple mammalian species, which suggests that this missense change does not adversely affect protein function. This variant has not been reported in the literature in individuals affected with RBM48-related conditions. This variant is not present in population databases (gnomAD no frequency). This sequence change replaces isoleucine, which is neutral and non-polar, with methionine, which is neutral and non-polar, at codon 316 of the RBM48 protein (p.Ile316Met).